The following is an entry in ClinVar:

ClinVar aggregate classification (germline): Uncertain significance (1 of 4 stars; one submission).

gnomAD v4.1: 16 of 1,613,680 alleles (0.00099%); highest among the groups gnomAD compares: Non-Finnish European, 0.0013%; no homozygotes.

Submission:

CeGaT Center for Human Genetics Tuebingen
Classification: Uncertain significance. Last evaluated: 2026-02-01. Review status: criteria provided, single submitter. Criteria: CeGaT Center For Human Genetics Tuebingen Variant Classification Criteria Version 2. Collection method: clinical testing. Allele origin: germline. Affected: yes. Observed: 1 variant allele.
Comment: RFX3: PP2, BP4

NM_001282116.2(RFX3):c.1171C>G (p.Pro391Ala)

Gene: RFX3 (regulatory factor X3; minus strand). Cytogenetic location: 9p24.2.
Variant type: single nucleotide variant.
Coding change: c.1171C>G on transcript NM_001282116.2 (MANE Select); coding-DNA position 1171, C replaced by G.
Protein change: p.Pro391Ala; replaces proline 391 with alanine.
Molecular consequence: missense variant.
Genome position (GRCh38, 1-based): chr9:3,271,034, G>C on the plus strand (C>G on the coding strand, the complement: RFX3 is on the minus strand). VCF-style: chr9-3271034-G-C. GRCh37 (hg19) VCF-style: chr9-3271034-G-C.
Other names: c.1171C>G, p.Pro391Ala (NM_134428.3, NM_001282117.2, NM_001377999.1 and 1 more transcripts); short protein forms P391A.
Identifiers: ClinVar variation 4822046 (VCV004822046.4).